The following is an entry in ClinVar:

NM_022166.4(XYLT1):c.1237G>A (p.Asp413Asn)

Gene: XYLT1 (xylosyltransferase 1; minus strand). Cytogenetic location: 16p12.3.
Variant type: single nucleotide variant.
Coding change: c.1237G>A on transcript NM_022166.4 (MANE Select); coding-DNA position 1237, G replaced by A.
Protein change: p.Asp413Asn; replaces aspartic acid 413 with asparagine.
Molecular consequence: missense variant.
Genome position (GRCh38, 1-based): chr16:17,198,264, C>T on the plus strand (G>A on the coding strand, the complement: XYLT1 is on the minus strand). VCF-style: chr16-17198264-C-T. GRCh37 (hg19) VCF-style: chr16-17292121-C-T.
Other names: c.1237G>A (NM_022166.3); short protein forms D413N.
Identifiers: ClinVar variation 1021027 (VCV001021027.8), dbSNP rs774302454, ClinGen allele CA7927986.
Genomic context (GRCh38, chr16:17,198,264, plus strand): 5'-TGCCTTACCTGATGGGGTAGTCGGCCGCACTCAGGTTGATGAAGAAGTCCCAGGGCCAGT[C>T]GGTCATCTCCAGGAGGTCCCGCATGCTCTGCAGGTAGGTGGACAGGAGGCTGGCTCCTCC-3'
Protein context (NP_071449.1, residues 403-423): QSMRDLLEMT[Asp413Asn]WPWDFFINLS

ClinVar aggregate classification (germline): Uncertain significance. Review status: criteria provided, multiple submitters, no conflicts (2 of 4 stars). 2 submissions from 2 submitters: Uncertain significance (2). Last evaluated 2025-04-17.

Conditions:
Inborn genetic diseases. Identifiers: MedGen C0950123, MeSH D030342.
Desbuquois dysplasia 1 (DBQD1). Also called: DESBUQUOIS DYSPLASIA 1, KIM VARIANT; MICROMELIC DWARFISM WITH VERTEBRAL AND METAPHYSEAL ABNORMALITIES AND ADVANCED CARPOTARSAL OSSIFICATION. Identifiers: Orphanet 1425, MedGen C4012146, MONDO:0009629, OMIM 251450.

Allele frequency attached by ClinVar (database versions not stated): TOPMed 0.00002; ExAC 0.00003; gnomAD exomes 0.00006; gnomAD 0.00002.
gnomAD v4.1: 50 of 1,614,038 alleles (0.0031%); highest among the groups gnomAD compares: Admixed American, 0.012%; no homozygotes.

Submissions (2):

Ambry Genetics
Classification: Uncertain significance for Inborn genetic diseases. Last evaluated: 2025-04-17. Review status: criteria provided, single submitter. Criteria: Ambry Variant Classification Scheme 2023. Collection method: clinical testing. Allele origin: germline.

Labcorp Genetics (formerly Invitae), Labcorp
Classification: Uncertain significance for Desbuquois dysplasia 1. Last evaluated: 2023-07-07. Review status: criteria provided, single submitter. Criteria: Invitae Variant Classification Sherloc (09022015). Collection method: clinical testing. Allele origin: germline.
Comment: In summary, the available evidence is currently insufficient to determine the role of this variant in disease. Therefore, it has been classified as a Variant of Uncertain Significance. Advanced modeling of protein sequence and biophysical properties (such as structural, functional, and spatial information, amino acid conservation, physicochemical variation, residue mobility, and thermodynamic stability) performed at Invitae indicates that this missense variant is not expected to disrupt XYLT1 protein function. ClinVar contains an entry for this variant (Variation ID: 1021027). This variant has not been reported in the literature in individuals affected with XYLT1-related conditions. This variant is present in population databases (rs774302454, gnomAD 0.02%). This sequence change replaces aspartic acid, which is acidic and polar, with asparagine, which is neutral and polar, at codon 413 of the XYLT1 protein (p.Asp413Asn).